The following is an entry in ClinVar:

NM_018341.3(ERMARD):c.446C>T (p.Pro149Leu)

Gene: ERMARD (ER membrane associated RNA degradation; plus strand). Cytogenetic location: 6q27.
Variant type: single nucleotide variant.
Coding change: c.446C>T on transcript NM_018341.3 (MANE Select); coding-DNA position 446, C replaced by T.
Protein change: p.Pro149Leu; replaces proline 149 with leucine.
Molecular consequence: missense variant.
Genome position (GRCh38, 1-based): chr6:169,756,747, C>T. VCF-style: chr6-169756747-C-T. GRCh37 (hg19) VCF-style: chr6-170156843-C-T.
Other names: c.446C>T, p.Pro149Leu (NM_001278531.2, NM_001278533.2); c.68C>T, p.Pro23Leu (NM_001278532.2, NM_001410957.1); short protein forms P149L, P23L.
Identifiers: ClinVar variation 4759915 (VCV004759915.1).

ClinVar aggregate classification (germline): Uncertain significance (1 of 4 stars; one submission).

Submission:

Labcorp Genetics (formerly Invitae), Labcorp
Classification: Uncertain significance. Last evaluated: 2025-02-03. Review status: criteria provided, single submitter. Criteria: Invitae Variant Classification Sherloc (09022015). Collection method: clinical testing. Allele origin: germline.
Comment: This sequence change replaces proline, which is neutral and non-polar, with leucine, which is neutral and non-polar, at codon 149 of the ERMARD protein (p.Pro149Leu). This variant is present in population databases (rs776438180, gnomAD 0.002%). This variant has not been reported in the literature in individuals affected with ERMARD-related conditions. Invitae Evidence Modeling of protein sequence and biophysical properties (such as structural, functional, and spatial information, amino acid conservation, physicochemical variation, residue mobility, and thermodynamic stability) indicates that this missense variant is expected to disrupt ERMARD protein function with a positive predictive value of 80%. In summary, the available evidence is currently insufficient to determine the role of this variant in disease. Therefore, it has been classified as a Variant of Uncertain Significance.